The following is an entry in ClinVar:

ClinVar aggregate classification (germline): Likely benign. Review status: criteria provided, multiple submitters, no conflicts (2 of 4 stars). 2 submissions from 2 submitters: Likely benign (2). Last evaluated 2025-06-24.

Conditions:
Pheochromocytoma/paraganglioma syndrome 5. Also called: Paragangliomas 5; SDHA-Related Hereditary Paraganglioma-Pheochromocytoma Syndrome. Identifiers: Orphanet 29072, MedGen C3279992, MONDO:0013602, OMIM 614165.
Mitochondrial complex II deficiency, nuclear type 1. Also called: SUCCINATE CoQ REDUCTASE DEFICIENCY. Identifiers: Orphanet 3208, MedGen C5700310, MONDO:0100294, OMIM 252011.

Allele frequency attached by ClinVar (database versions not stated): gnomAD exomes below 0.00001; ExAC 0.00001.
gnomAD v4.1: 2 of 1,612,206 alleles (0.00012%); highest among the groups gnomAD compares: Non-Finnish European, 0.00017%; no homozygotes.

Submissions (2):

Labcorp Genetics (formerly Invitae), Labcorp
Classification: Likely benign for Pheochromocytoma/paraganglioma syndrome 5; Mitochondrial complex II deficiency, nuclear type 1. Last evaluated: 2025-06-24. Review status: criteria provided, single submitter. Criteria: Invitae Variant Classification Sherloc (09022015). Collection method: clinical testing. Allele origin: germline.

Myriad Genetics, Inc.
Classification: Likely benign for Pheochromocytoma/paraganglioma syndrome 5. Last evaluated: 2025-02-28. Review status: criteria provided, single submitter. Criteria: Myriad Autosomal Dominant, Autosomal Recessive and X-Linked Classification Criteria (2023). Collection method: clinical testing. Allele origin: unknown.
Comment: This variant is considered likely benign. This variant is intronic and is not expected to impact mRNA splicing.

NM_004168.4(SDHA):c.457-17G>T

Gene: SDHA (succinate dehydrogenase complex flavoprotein subunit A; plus strand). Cytogenetic location: 5p15.33.
Variant type: single nucleotide variant.
Coding change: c.457-17G>T on transcript NM_004168.4 (MANE Select); 17 bases into the intron before coding-DNA position 457, G replaced by T.
Molecular consequence: intron variant.
Genome position (GRCh38, 1-based): chr5:225,866, G>T. VCF-style: chr5-225866-G-T. GRCh37 (hg19) VCF-style: chr5-225981-G-T.
Other names: c.457-17G>T (NM_001330758.2); c.313-17G>T (NM_001294332.2).
Identifiers: ClinVar variation 2066435 (VCV002066435.5), dbSNP rs755259343, ClinGen allele CA3172849.